The following is an entry in ClinVar:

ClinVar aggregate classification (germline): Uncertain significance. Review status: criteria provided, multiple submitters, no conflicts (2 of 4 stars). 3 submissions from 3 submitters: Uncertain significance (3). Last evaluated 2026-03-12.

Conditions:
Inborn genetic diseases. Identifiers: MedGen C0950123, MeSH D030342.

Allele frequency attached by ClinVar (database versions not stated): ExAC below 0.00001; gnomAD exomes 0.00001; 1000 Genomes Project 30x 0.00016; 1000 Genomes Project 0.00020.
gnomAD v4.1: 6 of 1,551,384 alleles (0.00039%); highest among the groups gnomAD compares: African/African-American, 0.0082%; no homozygotes.

Submissions (3):

Ambry Genetics
Classification: Uncertain significance for Inborn genetic diseases. Last evaluated: 2026-03-12. Review status: criteria provided, single submitter. Criteria: Ambry Variant Classification Scheme 2023. Collection method: clinical testing. Allele origin: germline.

Labcorp Genetics (formerly Invitae), Labcorp
Classification: Uncertain significance. Last evaluated: 2024-12-27. Review status: criteria provided, single submitter. Criteria: Invitae Variant Classification Sherloc (09022015). Collection method: clinical testing. Allele origin: germline.
Comment: This sequence change replaces aspartic acid, which is acidic and polar, with tyrosine, which is neutral and polar, at codon 245 of the COL9A3 protein (p.Asp245Tyr). The frequency data for this variant in the population databases is considered unreliable, as metrics indicate poor data quality at this position in the gnomAD database. This variant has not been reported in the literature in individuals affected with COL9A3-related conditions. ClinVar contains an entry for this variant (Variation ID: 1043600). Invitae Evidence Modeling of protein sequence and biophysical properties (such as structural, functional, and spatial information, amino acid conservation, physicochemical variation, residue mobility, and thermodynamic stability) indicates that this missense variant is not expected to disrupt COL9A3 protein function with a negative predictive value of 95%. In summary, the available evidence is currently insufficient to determine the role of this variant in disease. Therefore, it has been classified as a Variant of Uncertain Significance.

Blueprint Genetics
Classification: Uncertain significance. Last evaluated: 2022-02-04. Review status: criteria provided, single submitter. Criteria: ACMG Guidelines, 2015. Collection method: clinical testing. Allele origin: germline.

NM_001853.4(COL9A3):c.733G>T (p.Asp245Tyr)

Gene: COL9A3 (collagen type IX alpha 3 chain; plus strand). Cytogenetic location: 20q13.33.
Variant type: single nucleotide variant.
Coding change: c.733G>T on transcript NM_001853.4 (MANE Select); coding-DNA position 733, G replaced by T.
Protein change: p.Asp245Tyr; replaces aspartic acid 245 with tyrosine.
Molecular consequence: missense variant.
Genome position (GRCh38, 1-based): chr20:62,826,252, G>T. VCF-style: chr20-62826252-G-T. GRCh37 (hg19) VCF-style: chr20-61457604-G-T.
Other names: c.733G>T (NM_001853.3); short protein forms D245Y.
Identifiers: ClinVar variation 1043600 (VCV001043600.11), dbSNP rs569502735, ClinGen allele CA9949459.